The following is an entry in ClinVar:

NM_001146227.3(RPS20):c.*1C>T

Gene: RPS20 (ribosomal protein S20; minus strand). Cytogenetic location: 8q12.1.
Variant type: single nucleotide variant.
Coding change: c.*1C>T on transcript NM_001146227.3; 1 bases downstream of the stop codon, C replaced by T.
Molecular consequence: 3 prime UTR variant.
Genome position (GRCh38, 1-based): chr8:56,069,737, G>A on the plus strand (C>T on the coding strand, the complement: RPS20 is on the minus strand). VCF-style: chr8-56069737-G-A. GRCh37 (hg19) VCF-style: chr8-56982296-G-A.
Identifiers: ClinVar variation 5042457 (VCV005042457.1).

ClinVar aggregate classification (germline): Benign (1 of 4 stars; one submission).

Conditions:
Familial colorectal cancer type X. Identifiers: Orphanet 440437, MedGen C3896578, MONDO:0018604.

Submission:

Myriad Genetics, Inc.
Classification: Benign for Familial colorectal cancer type X. Last evaluated: 2026-08-05. Review status: criteria provided, single submitter. Criteria: Myriad Autosomal Dominant, Autosomal Recessive and X-Linked Classification Criteria (2023). Collection method: clinical testing. Allele origin: unknown.
Comment: This variant is considered benign. This variant occurs in the non-coding 3' untranslated region of the gene, and is not expected to impact protein function.